The following is an entry in ClinVar:

ClinVar aggregate classification (germline): Uncertain significance (1 of 4 stars; one submission).

Conditions:
Hereditary cancer-predisposing syndrome. Also called: Hereditary Cancer Syndrome; Hereditary neoplastic syndrome; Neoplastic Syndromes, Hereditary; Tumor predisposition. Identifiers: Orphanet 140162, MedGen C0027672, MeSH D009386, MONDO:0015356.

Submission:

Ambry Genetics
Classification: Uncertain significance for Hereditary cancer-predisposing syndrome. Last evaluated: 2025-05-23. Review status: criteria provided, single submitter. Criteria: Ambry Variant Classification Scheme 2023. Collection method: clinical testing. Allele origin: germline.
Comment: The p.T1597S variant (also known as c.4789A>T), located in coding exon 15 of the APC gene, results from an A to T substitution at nucleotide position 4789. The threonine at codon 1597 is replaced by serine, an amino acid with similar properties. This amino acid position is conserved. In addition, in silico predictors for this gene do not accurately predict pathogenicity. Based on the available evidence, the clinical significance of this variant remains unclear.

NM_000038.6(APC):c.4789A>T (p.Thr1597Ser)

Gene: APC (APC regulator of Wnt signaling pathway; plus strand). Cytogenetic location: 5q22.2.
Variant type: single nucleotide variant.
Coding change: c.4789A>T on transcript NM_000038.6 (MANE Select); coding-DNA position 4789, A replaced by T.
Protein change: p.Thr1597Ser; replaces threonine 1597 with serine.
Molecular consequence: missense variant. On other transcripts: non-coding transcript variant (2).
Genome position (GRCh38, 1-based): chr5:112,840,383, A>T. VCF-style: chr5-112840383-A-T. GRCh37 (hg19) VCF-style: chr5-112176080-A-T.
Other names: c.4789A>T, p.Thr1597Ser (NM_001127510.3, NM_001354895.2, NM_001407450.1); c.4735A>T, p.Thr1579Ser (NM_001127511.3); c.4843A>T, p.Thr1615Ser (NM_001354896.2, NM_001407447.1, NM_001407448.1 and 1 more transcripts); c.4819A>T, p.Thr1607Ser (NM_001354897.2); c.4714A>T, p.Thr1572Ser (NM_001354898.2); c.4705A>T, p.Thr1569Ser (NM_001354899.2); c.4666A>T, p.Thr1556Ser (NM_001354900.2); c.4612A>T, p.Thr1538Ser (NM_001354901.2, NM_001407453.1); and 11 more; short protein forms T1213S, T1506S, T1569S, T1572S, T1314S, T1496S, T1538S, T1556S.
Identifiers: ClinVar variation 3929610 (VCV003929610.1).